The following is an entry in ClinVar:

ClinVar aggregate classification (germline): Uncertain significance (1 of 4 stars; one submission).

Conditions:
Charcot-Marie-Tooth disease recessive intermediate C. Also called: CHARCOT-MARIE-TOOTH NEUROPATHY, RECESSIVE INTERMEDIATE C. Identifiers: Orphanet 369867, MedGen C3809309, MONDO:0014154, OMIM 615376.
Neuronopathy, distal hereditary motor, autosomal recessive 4. Also called: NEUROPATHY, DISTAL HEREDITARY MOTOR, AUTOSOMAL RECESSIVE 4; Autosomal recessive lower motor neuron disease with childhood onset. Identifiers: Orphanet 206580, MedGen C1970211, MONDO:0012608, OMIM 611067.

Allele frequency attached by ClinVar (database versions not stated): gnomAD exomes below 0.00001; ExAC 0.00002.
gnomAD v4.1: 1 of 1,591,542 alleles (0.000063%); highest among the groups gnomAD compares: Non-Finnish European, 0.000085%; no homozygotes.

Submission:

Labcorp Genetics (formerly Invitae), Labcorp
Classification: Uncertain significance for Neuronopathy, distal hereditary motor, autosomal recessive 4; Charcot-Marie-Tooth disease recessive intermediate C. Last evaluated: 2021-11-26. Review status: criteria provided, single submitter. Criteria: Invitae Variant Classification Sherloc (09022015). Collection method: clinical testing. Allele origin: germline.
Comment: In summary, the available evidence is currently insufficient to determine the role of this variant in disease. Therefore, it has been classified as a Variant of Uncertain Significance. Algorithms developed to predict the effect of missense changes on protein structure and function (SIFT, PolyPhen-2, Align-GVGD) all suggest that this variant is likely to be tolerated. This variant has not been reported in the literature in individuals affected with PLEKHG5-related conditions. This variant is present in population databases (rs761251191, gnomAD 0.001%). This sequence change replaces histidine, which is basic and polar, with tyrosine, which is neutral and polar, at codon 524 of the PLEKHG5 protein (p.His524Tyr).

NM_020631.6(PLEKHG5):c.1570C>T (p.His524Tyr)

Gene: PLEKHG5 (pleckstrin homology and RhoGEF domain containing G5; minus strand). Cytogenetic location: 1p36.31.
Variant type: single nucleotide variant.
Coding change: c.1570C>T on transcript NM_020631.6 (MANE Select); coding-DNA position 1570, C replaced by T.
Protein change: p.His524Tyr; replaces histidine 524 with tyrosine.
Molecular consequence: missense variant.
Genome position (GRCh38, 1-based): chr1:6,470,616, G>A on the plus strand (C>T on the coding strand, the complement: PLEKHG5 is on the minus strand). VCF-style: chr1-6470616-G-A. GRCh37 (hg19) VCF-style: chr1-6530676-G-A.
Other names: c.1681C>T, p.His561Tyr (NM_001042663.3, NM_001265592.2); c.1570C>T, p.His524Tyr (NM_001042664.2, NM_001042665.2, NM_001265594.3 and 1 more transcripts); c.1777C>T, p.His593Tyr (NM_001265593.2); short protein forms H524Y, H561Y, H593Y.
Identifiers: ClinVar variation 1374958 (VCV001374958.6), dbSNP rs761251191, ClinGen allele CA561460.